The following is an entry in ClinVar:

ClinVar aggregate classification (germline): Uncertain significance (1 of 4 stars; one submission).

Submission:

GeneDx
Classification: Uncertain significance. Last evaluated: 2024-03-14. Review status: criteria provided, single submitter. Criteria: GeneDx Variant Classification Process June 2021. Collection method: clinical testing. Allele origin: germline. Affected: yes.
Comment: Not observed at significant frequency in large population cohorts (gnomAD); In silico analysis supports that this missense variant does not alter protein structure/function; Has not been previously published as pathogenic or benign to our knowledge

NM_014727.3(KMT2B):c.5624G>A (p.Arg1875Lys)

Gene: KMT2B (lysine methyltransferase 2B; plus strand). Cytogenetic location: 19q13.12.
Variant type: single nucleotide variant.
Coding change: c.5624G>A on transcript NM_014727.3 (MANE Select); coding-DNA position 5624, G replaced by A.
Protein change: p.Arg1875Lys; replaces arginine 1875 with lysine.
Molecular consequence: missense variant.
Genome position (GRCh38, 1-based): chr19:35,732,094, G>A. VCF-style: chr19-35732094-G-A. GRCh37 (hg19) VCF-style: chr19-36222995-G-A.
Other names: short protein forms R1875K.
Identifiers: ClinVar variation 3370834 (VCV003370834.1).
Genomic context (GRCh38, chr19:35,732,094, plus strand): 5'-CAGCCCCCCGTTCTTTTTCGGGGGCTCGAATCAAAGTGCCCAACTACTCGCCATCCCGGA[G>A]GCCCTTGGGGGGTGTCTCCTTTGGCCCCCTGCCCTCCCCTGGTGAGCACCGGGCATGTGG-3'
Protein context (NP_055542.1, residues 1865-1885): IKVPNYSPSR[Arg1875Lys]PLGGVSFGPL